The following is an entry in ClinVar:

NM_001113407.3(LDB1):c.990del (p.Ser331fs)

Gene: LDB1 (LIM domain binding 1; minus strand). Cytogenetic location: 10q24.32.
Variant type: Deletion.
Coding change: c.990del on transcript NM_001113407.3 (MANE Select); coding-DNA position 990, one base deleted (C; older notation c.990delC).
Protein change: p.Ser331fs; shifts the reading frame from serine 331.
Molecular consequence: frameshift variant.
Genome position (GRCh38, 1-based): chr10:102,109,044, G deleted on the plus strand (C on the coding strand, the reverse complement: LDB1 is on the minus strand). VCF-style (leftmost placement, unchanged base first): chr10-102109043-AG-A. GRCh37 (hg19) VCF-style: chr10-103868800-AG-A.
Other names: c.990del, p.Ser331fs (NM_001321612.2); c.882del, p.Ser295fs (NM_003893.5); short protein forms S295fs, S331fs.
Identifiers: ClinVar variation 3602231 (VCV003602231.1).

ClinVar aggregate classification (germline): Uncertain significance (1 of 4 stars; one submission).

Submission:

GeneDx
Classification: Uncertain significance. Last evaluated: 2022-05-22. Review status: criteria provided, single submitter. Criteria: GeneDx Variant Classification Process June 2021. Collection method: clinical testing. Allele origin: germline. Affected: yes.
Comment: Not observed at significant frequency in large population cohorts (gnomAD); Frameshift variant predicted to result in protein truncation in a gene or region of a gene for which loss of function is not a well-established mechanism of disease; Has not been previously published as pathogenic or benign to our knowledge; Variants in candidate genes are classified as variants of uncertain significance in accordance with ACMG guidelines (Richards et al., 2015)